The following is an entry in ClinVar:

NM_005337.5(NCKAP1L):c.3037A>C (p.Thr1013Pro)

Gene: NCKAP1L (NCK associated protein 1 like; plus strand). Cytogenetic location: 12q13.2.
Variant type: single nucleotide variant.
Coding change: c.3037A>C on transcript NM_005337.5 (MANE Select); coding-DNA position 3037, A replaced by C.
Protein change: p.Thr1013Pro; replaces threonine 1013 with proline.
Molecular consequence: missense variant.
Genome position (GRCh38, 1-based): chr12:54,536,209, A>C. VCF-style: chr12-54536209-A-C. GRCh37 (hg19) VCF-style: chr12-54929993-A-C.
Other names: c.2887A>C, p.Thr963Pro (NM_001184976.2); short protein forms T1013P, T963P.
Identifiers: ClinVar variation 2054802 (VCV002054802.2), dbSNP rs1592353157, ClinGen allele CA385144681.

ClinVar aggregate classification (germline): Uncertain significance. Review status: criteria provided, multiple submitters, no conflicts (2 of 4 stars). 2 submissions from 2 submitters: Uncertain significance (2). Last evaluated 2022-04-21.

Allele frequency attached by ClinVar (database versions not stated): gnomAD exomes below 0.00001.
gnomAD v4.1: 4 of 1,613,170 alleles (0.00025%); highest among the groups gnomAD compares: Admixed American, 0.0017%; no homozygotes.

Submissions (2):

Labcorp Genetics (formerly Invitae), Labcorp
Classification: Uncertain significance. Last evaluated: 2022-04-21. Review status: criteria provided, single submitter. Criteria: Invitae Variant Classification Sherloc (09022015). Collection method: clinical testing. Allele origin: germline.
Comment: This sequence change replaces threonine, which is neutral and polar, with proline, which is neutral and non-polar, at codon 1013 of the NCKAP1L protein (p.Thr1013Pro). This variant is not present in population databases (gnomAD no frequency). This variant has not been reported in the literature in individuals affected with NCKAP1L-related conditions. Algorithms developed to predict the effect of missense changes on protein structure and function are either unavailable or do not agree on the potential impact of this missense change (SIFT: "Tolerated"; PolyPhen-2: "Possibly Damaging"; Align-GVGD: "Class C0"). In summary, the available evidence is currently insufficient to determine the role of this variant in disease. Therefore, it has been classified as a Variant of Uncertain Significance.

Ambry Genetics
Classification: Uncertain significance. Last evaluated: 2021-10-12. Review status: criteria provided, single submitter. Criteria: Ambry Variant Classification Scheme 2023. Collection method: clinical testing. Allele origin: germline.